The following is an entry in ClinVar:

NM_018136.5(ASPM):c.10364A>T (p.Asn3455Ile)

Gene: ASPM (assembly factor for spindle microtubules; minus strand). Cytogenetic location: 1q31.3.
Variant type: single nucleotide variant.
Coding change: c.10364A>T on transcript NM_018136.5 (MANE Select); coding-DNA position 10364, A replaced by T.
Protein change: p.Asn3455Ile; replaces asparagine 3455 with isoleucine.
Molecular consequence: missense variant.
Genome position (GRCh38, 1-based): chr1:197,084,394, T>A on the plus strand (A>T on the coding strand, the complement: ASPM is on the minus strand). VCF-style: chr1-197084394-T-A. GRCh37 (hg19) VCF-style: chr1-197053524-T-A.
Other names: c.10364A>T (NM_018136.4); c.5609A>T, p.Asn1870Ile (NM_001206846.2); short protein forms N1870I, N3455I.
Identifiers: ClinVar variation 2167450 (VCV002167450.2), dbSNP rs759913912, ClinGen allele CA1308718.
Genomic context (GRCh38, chr1:197,084,394, plus strand): 5'-ATGCCAAGCGTATCCATCACCATTTGAATAGCTTGCAGGGGATTTGTGATTTCTTCCATG[T>A]TATCTCTTCTCAAAACCCAATCTGGCTTAAGTCTGTTAAAAAAAAAAAAAAAGTCTGGCA-3'
Protein context (NP_060606.3, residues 3445-3465): LKPDWVLRRD[Asn3455Ile]MEEITNPLQA

ClinVar aggregate classification (germline): Uncertain significance. Review status: criteria provided, multiple submitters, no conflicts (2 of 4 stars). 2 submissions from 2 submitters: Uncertain significance (2). Last evaluated 2026-04-25.

Allele frequency attached by ClinVar (database versions not stated): ExAC 0.00002; TOPMed below 0.00001; gnomAD exomes 0.00002.
gnomAD v4.1: 9 of 1,612,722 alleles (0.00056%); highest among the groups gnomAD compares: Admixed American, 0.015%; no homozygotes.

Submissions (2):

GeneDx
Classification: Uncertain significance. Last evaluated: 2026-04-25. Review status: criteria provided, single submitter. Criteria: GeneDx Variant Classification Process June 2021. Collection method: clinical testing. Allele origin: germline.
Comment: In silico analysis supports that this missense variant has a deleterious effect on protein structure/function; Has not been previously published as pathogenic or benign to our knowledge

Labcorp Genetics (formerly Invitae), Labcorp
Classification: Uncertain significance. Last evaluated: 2022-08-30. Review status: criteria provided, single submitter. Criteria: Invitae Variant Classification Sherloc (09022015). Collection method: clinical testing. Allele origin: germline.
Comment: This sequence change replaces asparagine, which is neutral and polar, with isoleucine, which is neutral and non-polar, at codon 3455 of the ASPM protein (p.Asn3455Ile). This variant is present in population databases (rs759913912, gnomAD 0.02%). This variant has not been reported in the literature in individuals affected with ASPM-related conditions. Algorithms developed to predict the effect of missense changes on protein structure and function are either unavailable or do not agree on the potential impact of this missense change (SIFT: "Deleterious"; PolyPhen-2: "Possibly Damaging"; Align-GVGD: "Class C0"). In summary, the available evidence is currently insufficient to determine the role of this variant in disease. Therefore, it has been classified as a Variant of Uncertain Significance.